The following is an entry in ClinVar:

NM_001126121.2(SLC25A19):c.728G>A (p.Arg243Gln)

Gene: SLC25A19 (solute carrier family 25 member 19; minus strand). Cytogenetic location: 17q25.1.
Variant type: single nucleotide variant.
Coding change: c.728G>A on transcript NM_001126121.2 (MANE Select); coding-DNA position 728, G replaced by A.
Protein change: p.Arg243Gln; replaces arginine 243 with glutamine.
Molecular consequence: missense variant.
Genome position (GRCh38, 1-based): chr17:75,277,399, C>T on the plus strand (G>A on the coding strand, the complement: SLC25A19 is on the minus strand). VCF-style: chr17-75277399-C-T. GRCh37 (hg19) VCF-style: chr17-73273480-C-T.
Other names: c.728G>A, p.Arg243Gln (NM_001126122.2, NM_021734.5); short protein forms R243Q.
Identifiers: ClinVar variation 450431 (VCV000450431.2), dbSNP rs1555602033, ClinGen allele CA401003531.

ClinVar aggregate classification (germline): Uncertain significance (1 of 4 stars; one submission).

Allele frequency attached by ClinVar (database versions not stated): TOPMed below 0.00001.
gnomAD v4.1: 2 of 1,614,016 alleles (0.00012%); highest among the groups gnomAD compares: Non-Finnish European, 0.00017%; no homozygotes.

Submission:

GeneDx
Classification: Uncertain significance. Last evaluated: 2018-11-28. Review status: criteria provided, single submitter. Criteria: GeneDx Variant Classification (06012015). Collection method: clinical testing. Allele origin: germline. Affected: yes.
Comment: The R243Q variant in the SLC25A19 gene has not been reported previously as a pathogenic variant, nor as a benign variant, to our knowledge. The R243Q variant is not observed in large population cohorts (Lek et al., 2016; 1000 Genomes Consortium et al., 2015; Exome Variant Server). The R243Q variant is a semi-conservative amino acid substitution, which may impact secondary protein structure as these residues differ in some properties. This substitution occurs at a position that is conserved across species, and in silico analysis predicts this variant is probably damaging to the protein structure/function. We interpret R243Q as a variant of uncertain significance.